The following is an entry in ClinVar:

ClinVar aggregate classification (germline): Benign/Likely benign. Review status: criteria provided, multiple submitters, no conflicts (2 of 4 stars). 3 submissions from 3 submitters: Benign (1); Likely benign (2). Last evaluated 2026-09-30.

Conditions:
Rhabdoid tumor predisposition syndrome 2 (RTPS2). Identifiers: Orphanet 231108, Orphanet 69077, MedGen C2750074, MONDO:0013224, OMIM 613325.
Hereditary cancer-predisposing syndrome. Also called: Hereditary neoplastic syndrome; Neoplastic Syndromes, Hereditary; Tumor predisposition; Hereditary Cancer Syndrome. Identifiers: Orphanet 140162, MedGen C0027672, MeSH D009386, MONDO:0015356.

Allele frequency attached by ClinVar (database versions not stated): ExAC 0.00003; gnomAD exomes 0.00002 and 0.00001.

Submissions (3):

Myriad Genetics, Inc.
Classification: Benign for Rhabdoid tumor predisposition syndrome 2. Last evaluated: 2026-09-30. Review status: criteria provided, single submitter. Criteria: Myriad Autosomal Dominant, Autosomal Recessive and X-Linked Classification Criteria (2023). Collection method: clinical testing. Allele origin: unknown.
Comment: This variant is considered benign. This variant is a silent/synonymous amino acid change and it is not expected to impact splicing.

Labcorp Genetics (formerly Invitae), Labcorp
Classification: Likely benign for Rhabdoid tumor predisposition syndrome 2. Last evaluated: 2025-01-21. Review status: criteria provided, single submitter. Criteria: Invitae Variant Classification Sherloc (09022015). Collection method: clinical testing. Allele origin: germline.

Ambry Genetics
Classification: Likely benign for Hereditary cancer-predisposing syndrome. Last evaluated: 2018-06-13. Review status: criteria provided, single submitter. Criteria: Ambry Variant Classification Scheme 2023. Collection method: clinical testing. Allele origin: germline.

NM_003072.5(SMARCA4):c.9T>C (p.Thr3=)

Gene: SMARCA4 (SWI/SNF related BAF chromatin remodeling complex subunit ATPase 4; plus strand). Cytogenetic location: 19p13.2.
Variant type: single nucleotide variant.
Coding change: c.9T>C on transcript NM_003072.5 (MANE Select); coding-DNA position 9, T replaced by C.
Protein change: p.Thr3=; no amino-acid change (threonine 3 retained).
Molecular consequence: synonymous variant. On other transcripts: non-coding transcript variant (1).
Genome position (GRCh38, 1-based): chr19:10,984,160, T>C. VCF-style: chr19-10984160-T-C. GRCh37 (hg19) VCF-style: chr19-11094836-T-C.
Other names: c.9T>C, p.Thr3= (NM_001128844.3, NM_001128845.2, NM_001128846.2 and 4 more transcripts).
Identifiers: ClinVar variation 823602 (VCV000823602.12), dbSNP rs764639389, ClinGen allele CA9203380.